The following is an entry in ClinVar:

ClinVar aggregate classification (germline): Pathogenic (1 of 4 stars; one submission).

Conditions:
Ehlers-Danlos syndrome, dermatosparaxis type. Also called: EDS VIIC; Dermatosparaxis; Ehlers-Danlos syndrome, type VII, autosomal recessive. Identifiers: Orphanet 1901, MedGen C2700425, MONDO:0009161, OMIM 225410.

Submission:

Myriad Genetics, Inc.
Classification: Pathogenic for Ehlers-Danlos syndrome, dermatosparaxis type. Last evaluated: 2024-05-14. Review status: criteria provided, single submitter. Criteria: Myriad Autosomal Dominant, Autosomal Recessive and X-Linked Classification Criteria (2023). Collection method: clinical testing. Allele origin: unknown.
Comment: NM_014244.4(ADAMTS2):c.85_88del4ins21(P29Sfs*142) is expected to be pathogenic in the context of Ehlers-Danlos syndrome, ADAMTS2-related. This variant is predicted to lead to an abnormal or absent protein product due to the creation of a premature termination codon in ADAMTS2, a gene where loss-of-function variants are known to be pathogenic. Please note: this variant was assessed in the context of healthy population screening.

NM_014244.5(ADAMTS2):c.85_88delinsTCTCTTATACACATCTGTGAT (p.Pro29fs)

Gene: ADAMTS2 (ADAM metallopeptidase with thrombospondin type 1 motif 2; minus strand). Cytogenetic location: 5q35.3.
Variant type: Indel.
Coding change: c.85_88delinsTCTCTTATACACATCTGTGAT on transcript NM_014244.5 (MANE Select); coding-DNA positions 85 to 88, CCGC replaced by TCTCTTATACACATCTGTGAT.
Protein change: p.Pro29fs; shifts the reading frame from proline 29.
Molecular consequence: frameshift variant.
Genome position (GRCh38, 1-based): chr5:179,345,241-179,345,244, GCGG replaced by ATCACAGATGTGTATAAGAGA on the plus strand (CCGC replaced by TCTCTTATACACATCTGTGAT on the coding strand, the reverse complement: ADAMTS2 is on the minus strand). VCF-style: chr5-179345241-GCGG-ATCACAGATGTGTATAAGAGA. GRCh37 (hg19) VCF-style: chr5-178772242-GCGG-ATCACAGATGTGTATAAGAGA.
Other names: c.85_88delinsTCTCTTATACACATCTGTGAT, p.Pro29fs (NM_021599.4); short protein forms P29fs.
Identifiers: ClinVar variation 5010754 (VCV005010754.1).